The following is an entry in ClinVar:

ClinVar aggregate classification (germline): Uncertain significance (1 of 4 stars; one submission).

Conditions:
Surfactant metabolism dysfunction, pulmonary, 4 (SMDP4). Also called: CSF2RA DEFICIENCY; PAP DUE TO CSF2RA DEFICIENCY; PULMONARY ALVEOLAR PROTEINOSIS, CONGENITAL, 4. Identifiers: Orphanet 264675, MedGen C2677877, MONDO:0010424, OMIM 300770.

Allele frequency attached by ClinVar (database versions not stated): gnomAD exomes below 0.00001.
gnomAD v4.1: 2 of 1,604,220 alleles (0.00012%); highest among the groups gnomAD compares: East Asian, 0.0046%; no homozygotes.

Submission:

Labcorp Genetics (formerly Invitae), Labcorp
Classification: Uncertain significance for Surfactant metabolism dysfunction, pulmonary, 4. Last evaluated: 2022-10-27. Review status: criteria provided, single submitter. Criteria: Invitae Variant Classification Sherloc (09022015). Collection method: clinical testing. Allele origin: germline.
Comment: Advanced modeling of protein sequence and biophysical properties (such as structural, functional, and spatial information, amino acid conservation, physicochemical variation, residue mobility, and thermodynamic stability) performed at Invitae indicates that this missense variant is not expected to disrupt CSF2RA protein function. This sequence change replaces alanine, which is neutral and non-polar, with proline, which is neutral and non-polar, at codon 33 of the CSF2RA protein (p.Ala33Pro). This variant is present in population databases (no rsID available, gnomAD 0.006%). This variant has not been reported in the literature in individuals affected with CSF2RA-related conditions. In summary, the available evidence is currently insufficient to determine the role of this variant in disease. Therefore, it has been classified as a Variant of Uncertain Significance.

NM_172245.4(CSF2RA):c.97G>C (p.Ala33Pro)

Gene: CSF2RA (colony stimulating factor 2 receptor subunit alpha; plus strand). Cytogenetic location: Xp22.33.
Variant type: single nucleotide variant.
Coding change: c.97G>C on transcript NM_172245.4 (MANE Select); coding-DNA position 97, G replaced by C.
Protein change: p.Ala33Pro; replaces alanine 33 with proline.
Molecular consequence: missense variant. On other transcripts: non-coding transcript variant (1), intron variant (1).
Genome position (GRCh38, 1-based): chrX:1,285,798, G>C. VCF-style: chrX-1285798-G-C. GRCh37 (hg19) VCF-style: chrX-1404691-G-C.
Other names: c.97G>C, p.Ala33Pro (NM_001161529.2, NM_001161530.2, NM_001161531.2 and 21 more transcripts); c.-180-2721G>C (NM_001161532.2); short protein forms A33P.
Identifiers: ClinVar variation 2801803 (VCV002801803.3), dbSNP rs1364009285, ClinGen allele CA412234534.